The following is an entry in ClinVar:

NM_005956.4(MTHFD1):c.2668G>A (p.Asp890Asn)

Genes: MTHFD1 (methylenetetrahydrofolate dehydrogenase, cyclohydrolase and formyltetrahydrofolate synthetase 1; plus strand), ZBTB25 (zinc finger and BTB domain containing 25; minus strand). Cytogenetic location: 14q23.3.
Variant type: single nucleotide variant.
Coding change: c.2668G>A on transcript NM_005956.4 (MANE Select); coding-DNA position 2668, G replaced by A.
Protein change: p.Asp890Asn; replaces aspartic acid 890 with asparagine.
Molecular consequence: missense variant. On other transcripts: intron variant (1).
Genome position (GRCh38, 1-based): chr14:64,454,825, G>A. VCF-style: chr14-64454825-G-A. GRCh37 (hg19) VCF-style: chr14-64921543-G-A.
Other names: c.2668G>A, p.Asp890Asn (NM_001364837.1); c.174-5187C>T (NM_001304508.1); short protein forms D890N.
Identifiers: ClinVar variation 1348142 (VCV001348142.7), dbSNP rs750902671, ClinGen allele CA7226662.
Genomic context (GRCh38, chr14:64,454,825, plus strand): 5'-TCTTTGTCTCACAACCCAGAGCAAAAAGGTGTCCCTACAGGCTTCATTCTGCCCATTCGC[G>A]ACATCCGCGCCAGCGTTGGGGCTGGTTTTCTGTACCCCTTAGTAGGAACGGTAAGTGCAT-3'
Protein context (NP_005947.3, residues 880-900): VPTGFILPIR[Asp890Asn]IRASVGAGFL

ClinVar aggregate classification (germline): Uncertain significance (1 of 4 stars; one submission).

Allele frequency attached by ClinVar (database versions not stated): ExAC 0.00002; gnomAD 0.00002; gnomAD exomes 0.00002 and 0.00001; TOPMed 0.00003.
gnomAD v4.1: 24 of 1,614,074 alleles (0.0015%); highest among the groups gnomAD compares: African/African-American, 0.004%; no homozygotes.

Submission:

Labcorp Genetics (formerly Invitae), Labcorp
Classification: Uncertain significance. Last evaluated: 2024-04-13. Review status: criteria provided, single submitter. Criteria: Invitae Variant Classification Sherloc (09022015). Collection method: clinical testing. Allele origin: germline.
Comment: This sequence change replaces aspartic acid, which is acidic and polar, with asparagine, which is neutral and polar, at codon 890 of the MTHFD1 protein (p.Asp890Asn). This variant is present in population databases (rs750902671, gnomAD 0.008%). This variant has not been reported in the literature in individuals affected with MTHFD1-related conditions. ClinVar contains an entry for this variant (Variation ID: 1348142). Advanced modeling of protein sequence and biophysical properties (such as structural, functional, and spatial information, amino acid conservation, physicochemical variation, residue mobility, and thermodynamic stability) performed at Invitae indicates that this missense variant is not expected to disrupt MTHFD1 protein function with a negative predictive value of 80%. In summary, the available evidence is currently insufficient to determine the role of this variant in disease. Therefore, it has been classified as a Variant of Uncertain Significance.